The following is an entry in ClinVar:

ClinVar aggregate classification (germline): Conflicting classifications of pathogenicity. Review status: criteria provided, conflicting classifications (1 of 4 stars). 3 submissions from 3 submitters: Uncertain significance (1); Likely benign (2). Last evaluated 2025-06-08.

Conditions:
Hereditary cancer-predisposing syndrome. Also called: Hereditary Cancer Syndrome; Hereditary neoplastic syndrome; Neoplastic Syndromes, Hereditary; Tumor predisposition. Identifiers: Orphanet 140162, MedGen C0027672, MeSH D009386, MONDO:0015356.
DICER1-related tumor predisposition. Also called: DICER1-related pleuropulmonary blastoma cancer predisposition syndrome; DICER1 syndrome. Identifiers: Orphanet 284343, MedGen C3839822, MONDO:0100216.

gnomAD v4.1: 1 of 1,614,200 alleles (0.000062%); highest among the groups gnomAD compares: Non-Finnish European, 0.000085%; no homozygotes.

Submissions (3):

Ambry Genetics
Classification: Likely benign for Hereditary cancer-predisposing syndrome. Last evaluated: 2025-06-08. Review status: criteria provided, single submitter. Criteria: Ambry Variant Classification Scheme 2023. Collection method: clinical testing. Allele origin: germline.

Labcorp Genetics (formerly Invitae), Labcorp
Classification: Likely benign for DICER1-related tumor predisposition. Last evaluated: 2024-05-02. Review status: criteria provided, single submitter. Criteria: Invitae Variant Classification Sherloc (09022015). Collection method: clinical testing. Allele origin: germline.

Quest Diagnostics Nichols Institute San Juan Capistrano
Classification: Uncertain significance. Last evaluated: 2024-04-30. Review status: criteria provided, single submitter. Criteria: Quest Diagnostics criteria. Collection method: clinical testing. Allele origin: unknown.
Comment: The DICER1 c.4704C>T (p.Gly1568=) synonymous variant has not been reported in individuals with DICER1-related conditions in the published literature. It also has not been reported in large, multi-ethnic general populations (Genome Aggregation Database). Analysis of this variant using software algorithms for the prediction of the effect of nucleotide changes on splicing yielded predictions that this variant does not affect DICER1 mRNA splicing. Based on the available information, we are unable to determine the clinical significance of this variant.

NM_177438.3(DICER1):c.4704C>T (p.Gly1568=)

Gene: DICER1 (dicer 1, ribonuclease III; minus strand). Cytogenetic location: 14q32.13.
Variant type: single nucleotide variant.
Coding change: c.4704C>T on transcript NM_177438.3 (MANE Select); coding-DNA position 4704, C replaced by T.
Protein change: p.Gly1568=; no amino-acid change (glycine 1568 retained).
Molecular consequence: synonymous variant. On other transcripts: non-coding transcript variant (6).
Genome position (GRCh38, 1-based): chr14:95,096,216, G>A on the plus strand (C>T on the coding strand, the complement: DICER1 is on the minus strand). VCF-style: chr14-95096216-G-A. GRCh37 (hg19) VCF-style: chr14-95562553-G-A.
Other names: c.4704C>T, p.Gly1568= (NM_001291628.2, NM_001395677.1, NM_001395678.1 and 12 more transcripts); c.4422C>T, p.Gly1474= (NM_001395686.1); c.4299C>T, p.Gly1433= (NM_001395687.1, NM_001395688.1, NM_001395689.1 and 2 more transcripts); c.4137C>T, p.Gly1379= (NM_001395691.1); c.3021C>T, p.Gly1007= (NM_001395697.1).
Identifiers: ClinVar variation 3572330 (VCV003572330.4).